The following is an entry in ClinVar:

ClinVar aggregate classification (germline): Uncertain significance (1 of 4 stars; one submission).

Allele frequency attached by ClinVar (database versions not stated): gnomAD exomes below 0.00001.
gnomAD v4.1: 4 of 1,613,842 alleles (0.00025%); highest among the groups gnomAD compares: Non-Finnish European, 0.00017%; no homozygotes.

Submission:

Labcorp Genetics (formerly Invitae), Labcorp
Classification: Uncertain significance. Last evaluated: 2022-07-21. Review status: criteria provided, single submitter. Criteria: Invitae Variant Classification Sherloc (09022015). Collection method: clinical testing. Allele origin: germline.
Comment: This sequence change replaces glutamic acid, which is acidic and polar, with lysine, which is basic and polar, at codon 491 of the ADAMTS17 protein (p.Glu491Lys). This variant is not present in population databases (gnomAD no frequency). This variant has not been reported in the literature in individuals affected with ADAMTS17-related conditions. Algorithms developed to predict the effect of missense changes on protein structure and function are either unavailable or do not agree on the potential impact of this missense change (SIFT: "Not Available"; PolyPhen-2: "Possibly Damaging"; Align-GVGD: "Not Available"). In summary, the available evidence is currently insufficient to determine the role of this variant in disease. Therefore, it has been classified as a Variant of Uncertain Significance.

NM_139057.4(ADAMTS17):c.1471G>A (p.Glu491Lys)

Gene: ADAMTS17 (ADAM metallopeptidase with thrombospondin type 1 motif 17; minus strand). Cytogenetic location: 15q26.3.
Variant type: single nucleotide variant.
Coding change: c.1471G>A on transcript NM_139057.4 (MANE Select); coding-DNA position 1471, G replaced by A.
Protein change: p.Glu491Lys; replaces glutamic acid 491 with lysine.
Molecular consequence: missense variant.
Genome position (GRCh38, 1-based): chr15:100,152,614, C>T on the plus strand (G>A on the coding strand, the complement: ADAMTS17 is on the minus strand). VCF-style: chr15-100152614-C-T. GRCh37 (hg19) VCF-style: chr15-100692819-C-T.
Other names: short protein forms E491K.
Identifiers: ClinVar variation 2419104 (VCV002419104.4), dbSNP rs774382808, ClinGen allele CA275528069.